The following is an entry in ClinVar:

ClinVar aggregate classification (germline): Conflicting classifications of pathogenicity. Review status: criteria provided, conflicting classifications (1 of 4 stars). 7 submissions from 7 submitters: Uncertain significance (2); Benign (1); Likely benign (3). 1 of the submissions does not count toward it. Last evaluated 2026-08-01.

Conditions:
PLEC-related disorder. Also called: PLEC-related condition; PLEC-related disorders.
Epidermolysis bullosa simplex with nail dystrophy (EBS5D). Identifiers: MedGen C4225309, MONDO:0014661, OMIM 616487.
Epidermolysis bullosa simplex 5C, with pyloric atresia (EBS5C). Also called: PLEC-Related Epidermolysis Bullosa with Pyloric Atresia; PLEC1-Related Epidermolysis Bullosa with Pyloric Atresia; Epidermolysis bullosa simplex with pyloric atresia. Identifiers: Orphanet 158684, MedGen C2677349, MONDO:0012807, OMIM 612138.
Autosomal recessive limb-girdle muscular dystrophy type 2Q (LGMDR17). Also called: MUSCULAR DYSTROPHY, LIMB-GIRDLE, AUTOSOMAL RECESSIVE 17. Identifiers: Orphanet 254361, MedGen C3150989, MONDO:0013390, OMIM 613723.
Epidermolysis bullosa simplex, Ogna type (EBS5A). Also called: Pidermolysis bullosa simplex 5A, Ogna type; EPIDERMOLYSIS BULLOSA SIMPLEX 5A, OGNA TYPE. Identifiers: Orphanet 79401, MedGen C0432317, MONDO:0007555, OMIM 131950.
Epidermolysis bullosa simplex 5B, with muscular dystrophy (EBS5B). Also called: EPIDERMOLYSIS BULLOSA SIMPLEX AND LIMB-GIRDLE MUSCULAR DYSTROPHY; Epidermolysis bullosa simplex with muscular dystrophy. Identifiers: Orphanet 257, MedGen C2931072, MONDO:0009181, OMIM 226670.

Allele frequency attached by ClinVar (database versions not stated): gnomAD exomes 0.00040; ExAC 0.00046; gnomAD 0.00149 and 0.00158; 1000 Genomes Project 30x 0.00156; 1000 Genomes Project 0.00160; ESP Exome Variant Server 0.00190; TOPMed 0.00193.

Submissions (7):

CeGaT Center for Human Genetics Tuebingen
Classification: Uncertain significance. Last evaluated: 2026-08-01. Review status: criteria provided, single submitter. Criteria: CeGaT Center For Human Genetics Tuebingen Variant Classification Criteria Version 2. Collection method: clinical testing. Allele origin: germline. Affected: yes. Observed: 1 variant allele.

Labcorp Genetics (formerly Invitae), Labcorp
Classification: Likely benign for Autosomal recessive limb-girdle muscular dystrophy type 2Q; Epidermolysis bullosa simplex, Ogna type; Epidermolysis bullosa simplex with nail dystrophy; Epidermolysis bullosa simplex 5C, with pyloric atresia; Epidermolysis bullosa simplex 5B, with muscular dystrophy. Last evaluated: 2026-01-14. Review status: criteria provided, single submitter. Criteria: Invitae Variant Classification Sherloc (09022015). Collection method: clinical testing. Allele origin: germline.

Blueprint Genetics
Classification: Likely benign. Last evaluated: 2024-09-05. Review status: criteria provided, single submitter. Criteria: ACMG Guidelines, 2015. Collection method: clinical testing. Allele origin: germline.

Athena Diagnostics
Classification: Benign. Last evaluated: 2021-01-05. Review status: criteria provided, single submitter. Criteria: Athena Diagnostics criteria. Collection method: clinical testing. Allele origin: unknown.

GeneDx
Classification: Likely benign. Last evaluated: 2017-12-12. Review status: criteria provided, single submitter. Criteria: GeneDx Variant Classification (06012015). Collection method: clinical testing. Allele origin: germline. Affected: yes.
Comment: This variant is considered likely benign or benign based on one or more of the following criteria: it is a conservative change, it occurs at a poorly conserved position in the protein, it is predicted to be benign by multiple in silico algorithms, and/or has population frequency not consistent with disease.

Eurofins Ntd Llc (ga)
Classification: Uncertain significance. Last evaluated: 2017-06-22. Review status: criteria provided, single submitter. Criteria: EGL Classification Definitions 2015. Collection method: clinical testing. Allele origin: germline. Observed: 1 variant allele, 1 heterozygote.

PreventionGenetics, part of Exact Sciences
Classification: Likely benign for PLEC-related condition. Last evaluated: 2023-12-21. Review status: no assertion criteria provided. Collection method: clinical testing. Allele origin: germline. Not counted in ClinVar's aggregate classification.
Comment: This variant is classified as likely benign based on ACMG/AMP sequence variant interpretation guidelines (Richards et al. 2015 PMID: 25741868, with internal and published modifications).

Literature cited by the submitters: PubMed 21263134 (cited by Athena Diagnostics).

NM_201384.3(PLEC):c.1955C>T (p.Thr652Ile)

Gene: PLEC (plectin; minus strand). Cytogenetic location: 8q24.3.
Variant type: single nucleotide variant.
Coding change: c.1955C>T on transcript NM_201384.3 (MANE Select); coding-DNA position 1955, C replaced by T.
Protein change: p.Thr652Ile; replaces threonine 652 with isoleucine.
Molecular consequence: missense variant.
Genome position (GRCh38, 1-based): chr8:143,932,422, G>A on the plus strand (C>T on the coding strand, the complement: PLEC is on the minus strand). VCF-style: chr8-143932422-G-A. GRCh37 (hg19) VCF-style: chr8-145006590-G-A.
Other names: c.2036C>T, p.Thr679Ile (NM_000445.5); c.1913C>T, p.Thr638Ile (NM_201378.4); c.1889C>T, p.Thr630Ile (NM_201379.3); c.2366C>T, p.Thr789Ile (NM_201380.4); c.1859C>T, p.Thr620Ile (NM_201381.3); c.1955C>T, p.Thr652Ile (NM_201382.4); c.1967C>T, p.Thr656Ile (NM_201383.3); short protein forms T638I, T656I, T630I, T652I, T679I, T789I, T620I.
Identifiers: ClinVar variation 281275 (VCV000281275.19), dbSNP rs190470017, ClinGen allele CA4927778.